The following is an entry in ClinVar:

NM_003361.4(UMOD):c.1458C>A (p.Tyr486Ter)

Gene: UMOD (uromodulin; minus strand). Cytogenetic location: 16p12.3.
Variant type: single nucleotide variant.
Coding change: c.1458C>A on transcript NM_003361.4 (MANE Select); coding-DNA position 1458, C replaced by A.
Protein change: p.Tyr486Ter; replaces tyrosine 486 with a stop codon.
Molecular consequence: nonsense. On other transcripts: non-coding transcript variant (1).
Genome position (GRCh38, 1-based): chr16:20,341,210, G>T on the plus strand (C>A on the coding strand, the complement: UMOD is on the minus strand). VCF-style: chr16-20341210-G-T. GRCh37 (hg19) VCF-style: chr16-20352532-G-T.
Other names: p.Tyr486*; c.1458C>A, p.Tyr486Ter (NM_001008389.3, NM_001378232.1, NM_001378233.1); c.1557C>A, p.Tyr519Ter (NM_001278614.2); c.1599C>A, p.Tyr533Ter (NM_001378234.1, NM_001378235.1); c.1458C>A (NM_003361.3); short protein forms Y486*, Y519*, Y533*.
Identifiers: ClinVar variation 2731780 (VCV002731780.5), dbSNP rs141800038, ClinGen allele CA7939137.

ClinVar aggregate classification (germline): Conflicting classifications of pathogenicity. Review status: criteria provided, conflicting classifications (1 of 4 stars). 3 submissions from 3 submitters: Uncertain significance (2); Likely benign (1). Last evaluated 2025-11-23.

Conditions:
Familial juvenile hyperuricemic nephropathy type 1 (ADTKD1). Also called: UMOD-Associated Kidney Disease; Uromodulin-associated kidney disease; Glomerulocystic kidney disease with hyperuricemia and isosthenuria; Medullary cystic kidney disease 2; Autosomal Dominant Tubulointerstitial Kidney Disease – UMOD. Identifiers: Orphanet 209886, Orphanet 34149, Orphanet 88950, MedGen C4551496, MONDO:0008073, OMIM 162000.

gnomAD v4.1: 48 of 1,613,932 alleles (0.003%); highest among the groups gnomAD compares: African/African-American, 0.048%; no homozygotes.

Submissions (3):

Mayo Clinic Laboratories, Mayo Clinic
Classification: Uncertain significance. Last evaluated: 2025-11-23. Review status: criteria provided, single submitter. Criteria: ACMG Guidelines, 2015. Collection method: clinical testing. Allele origin: germline. Observed: 1 variant allele.

Labcorp Genetics (formerly Invitae), Labcorp
Classification: Uncertain significance. Last evaluated: 2025-10-17. Review status: criteria provided, single submitter. Criteria: Invitae Variant Classification Sherloc (09022015). Collection method: clinical testing. Allele origin: germline.
Comment: This sequence change creates a premature translational stop signal (p.Tyr486*) in the UMOD gene. It is expected to result in an absent or disrupted protein product. However, the current clinical and genetic evidence is not sufficient to establish whether loss-of-function variants in UMOD cause disease. This variant is present in population databases (rs141800038, gnomAD 0.03%). This variant has not been reported in the literature in individuals affected with UMOD-related conditions. ClinVar contains an entry for this variant (Variation ID: 2731780). In summary, the available evidence is currently insufficient to determine the role of this variant in disease. Therefore, it has been classified as a Variant of Uncertain Significance.

Fulgent Genetics
Classification: Likely benign for Familial juvenile hyperuricemic nephropathy type 1. Last evaluated: 2024-04-06. Review status: criteria provided, single submitter. Criteria: ACMG Guidelines, 2015. Collection method: clinical testing. Allele origin: germline.